The following is an entry in ClinVar:

ClinVar aggregate classification (germline): Uncertain significance (1 of 4 stars; one submission).

Conditions:
Long QT syndrome (LQTS). Identifiers: MedGen C0023976, MeSH D008133, MONDO:0002442. Disease mechanism: loss of function. Inheritance: Various modes of inheritance.

Submission:

Labcorp Genetics (formerly Invitae), Labcorp
Classification: Uncertain significance for Long QT syndrome. Last evaluated: 2022-12-12. Review status: criteria provided, single submitter. Criteria: Invitae Variant Classification Sherloc (09022015). Collection method: clinical testing. Allele origin: germline.
Comment: In summary, the available evidence is currently insufficient to determine the role of this variant in disease. Therefore, it has been classified as a Variant of Uncertain Significance. This variant has not been reported in the literature in individuals affected with AKAP9-related conditions. This variant is not present in population databases (gnomAD no frequency). This sequence change creates a premature translational stop signal (p.His52Profs*2) in the AKAP9 gene. It is expected to result in an absent or disrupted protein product. However, the current clinical and genetic evidence is not sufficient to establish whether loss-of-function variants in AKAP9 cause disease.

NM_005751.5(AKAP9):c.155_156del (p.His52fs)

Gene: AKAP9 (A-kinase anchoring protein 9; plus strand). Cytogenetic location: 7q21.2.
Variant type: Microsatellite.
Coding change: c.155_156del on transcript NM_005751.5 (MANE Select); coding-DNA positions 155 to 156, 2 bases deleted (AC; older notation c.155_156delAC).
Protein change: p.His52fs; shifts the reading frame from histidine 52.
Molecular consequence: frameshift variant.
Genome position (GRCh38, 1-based): chr7:91,973,817-91,973,818, AC deleted; deleting any 2 consecutive bases within chr7:91,973,814-91,973,818 gives the same sequence; the c. name uses the placement nearest the transcript's 3' end. VCF-style (leftmost placement, unchanged base first): chr7-91973813-GCA-G. GRCh37 (hg19) VCF-style: chr7-91603127-GCA-G.
Other names: c.155_156del, p.His52fs (NM_147185.3); short protein forms H52fs.
Identifiers: ClinVar variation 2820352 (VCV002820352.3), dbSNP rs2484598782, ClinGen allele CA2739266566.